The following is an entry in ClinVar:

NM_006526.3(ZNF217):c.2271G>A (p.Pro757=)

Gene: ZNF217 (zinc finger protein 217; minus strand). Cytogenetic location: 20q13.2.
Variant type: single nucleotide variant.
Coding change: c.2271G>A on transcript NM_006526.3 (MANE Select); coding-DNA position 2271, G replaced by A.
Protein change: p.Pro757=; no amino-acid change (proline 757 retained).
Molecular consequence: synonymous variant.
Genome position (GRCh38, 1-based): chr20:53,576,493, C>T on the plus strand (G>A on the coding strand, the complement: ZNF217 is on the minus strand). VCF-style: chr20-53576493-C-T. GRCh37 (hg19) VCF-style: chr20-52193032-C-T.
Other names: c.2271G>A, p.Pro757= (NM_001385034.1).
Identifiers: ClinVar variation 2652419 (VCV002652419.24), dbSNP rs56268939, ClinGen allele CA9914541.

ClinVar aggregate classification (germline): Likely benign (1 of 4 stars; one submission).

Allele frequency attached by ClinVar (database versions not stated): 1000 Genomes Project 0.00240; 1000 Genomes Project 30x 0.00265; gnomAD 0.00342; ExAC 0.00362; ESP Exome Variant Server 0.00423; TOPMed 0.00439; gnomAD exomes 0.00540.
gnomAD v4.1: 8,361 of 1,614,222 alleles (0.52%); highest among the groups gnomAD compares: Non-Finnish European, 0.63%; 24 homozygotes.

Submission:

CeGaT Center for Human Genetics Tuebingen
Classification: Likely benign. Last evaluated: 2022-11-01. Review status: criteria provided, single submitter. Criteria: CeGaT Center For Human Genetics Tuebingen Variant Classification Criteria Version 2. Collection method: clinical testing. Allele origin: germline. Affected: yes. Observed: 1 variant allele.
Comment: ZNF217: BP4, BP7, BS2